The following is an entry in ClinVar:

ClinVar aggregate classification (germline): Uncertain significance. Review status: criteria provided, multiple submitters, no conflicts (2 of 4 stars). 2 submissions from 2 submitters: Uncertain significance (2). Last evaluated 2022-07-13.

Conditions:
Mucopolysaccharidosis, MPS-IV-B (MPS4B). Also called: Mucopolysaccharidosis type IV B; Mucopolysaccharidosis Type IVB; Mucopolysaccharidosis type IVB (Morquio); MPS IVB; MORQUIO SYNDROME B; Mucopolysaccharidosis Type IVB (Morquio B Disease). Identifiers: Orphanet 309310, Orphanet 582, MedGen C0086652, MONDO:0009660, OMIM 253010.
GM1 gangliosidosis. Identifiers: Orphanet 354, MedGen C0085131, MONDO:0018149.

Allele frequency attached by ClinVar (database versions not stated): gnomAD exomes below 0.00001; TOPMed below 0.00001.
gnomAD v4.1: 6 of 1,614,198 alleles (0.00037%); highest among the groups gnomAD compares: African/African-American, 0.0013%; no homozygotes.

Submissions (2):

Labcorp Genetics (formerly Invitae), Labcorp
Classification: Uncertain significance for Mucopolysaccharidosis, MPS-IV-B; GM1 gangliosidosis. Last evaluated: 2022-07-13. Review status: criteria provided, single submitter. Criteria: Invitae Variant Classification Sherloc (09022015). Collection method: clinical testing. Allele origin: germline.
Comment: This sequence change replaces arginine, which is basic and polar, with cysteine, which is neutral and slightly polar, at codon 299 of the GLB1 protein (p.Arg299Cys). This variant is not present in population databases (gnomAD no frequency). This variant has not been reported in the literature in individuals affected with GLB1-related conditions. Advanced modeling of protein sequence and biophysical properties (such as structural, functional, and spatial information, amino acid conservation, physicochemical variation, residue mobility, and thermodynamic stability) performed at Invitae indicates that this missense variant is expected to disrupt GLB1 protein function. In summary, the available evidence is currently insufficient to determine the role of this variant in disease. Therefore, it has been classified as a Variant of Uncertain Significance.

Breakthrough Genomics
Classification: Uncertain significance. Review status: criteria provided, single submitter. Criteria: ACMG Guidelines, 2015. Collection method: not provided. Allele origin: germline. Inheritance: Autosomal recessive inheritance. Affected: yes.

NM_000404.4(GLB1):c.895C>T (p.Arg299Cys)

Gene: GLB1 (galactosidase beta 1; minus strand). Cytogenetic location: 3p22.3.
Variant type: single nucleotide variant.
Coding change: c.895C>T on transcript NM_000404.4 (MANE Select); coding-DNA position 895, C replaced by T.
Protein change: p.Arg299Cys; replaces arginine 299 with cysteine.
Molecular consequence: missense variant.
Genome position (GRCh38, 1-based): chr3:33,051,902, G>A on the plus strand (C>T on the coding strand, the complement: GLB1 is on the minus strand). VCF-style: chr3-33051902-G-A. GRCh37 (hg19) VCF-style: chr3-33093394-G-A.
Other names: c.805C>T, p.Arg269Cys (NM_001079811.3); c.502C>T, p.Arg168Cys (NM_001135602.3); c.1039C>T, p.Arg347Cys (NM_001317040.2); c.895C>T, p.Arg299Cys (NM_001393580.1); short protein forms R299C, R347C, R168C, R269C.
Identifiers: ClinVar variation 2199198 (VCV002199198.2), dbSNP rs1430384579, ClinGen allele CA352001237.
Genomic context (GRCh38, chr3:33,051,902, plus strand): 5'-GGCTACTGAGGGCACCCTCCCCTCAGGCAATGAACACTCACAAGTTCACACTCGCCCCAC[G>A]GGCAAGTATATCATAGAGGGAGGAAGCCACTGCTTCGGTCTTGATTGTGGAGTGAGGTTG-3'
Protein context (NP_000395.3, residues 289-309): VASSLYDILA[Arg299Cys]GASVNLYMFI